The following is an entry in ClinVar:

NM_032638.5(GATA2):c.379C>A (p.His127Asn)

Gene: GATA2 (GATA binding protein 2; minus strand). Cytogenetic location: 3q21.3.
Variant type: single nucleotide variant.
Coding change: c.379C>A on transcript NM_032638.5 (MANE Select); coding-DNA position 379, C replaced by A.
Protein change: p.His127Asn; replaces histidine 127 with asparagine.
Molecular consequence: missense variant.
Genome position (GRCh38, 1-based): chr3:128,486,219, G>T on the plus strand (C>A on the coding strand, the complement: GATA2 is on the minus strand). VCF-style: chr3-128486219-G-T. GRCh37 (hg19) VCF-style: chr3-128205062-G-T.
Other names: c.379C>A, p.His127Asn (NM_001145661.2, NM_001145662.1); short protein forms H127N.
Identifiers: ClinVar variation 1377731 (VCV001377731.8), dbSNP rs1163426216, ClinGen allele CA354407029.
Genomic context (GRCh38, chr3:128,486,219, plus strand): 5'-CACCCCCAGCCCCTGGGTACACAGAGAGTGGGCCTCCAGGGCCTCCAGCAGCTGAGGGGT[G>T]CAGTGGCGTCTTGGAGAAGGGGCTCACGGTCCAGGGGTTGTGGTGGTGGGCCGCAGCGGC-3'
Protein context (NP_116027.2, residues 117-137): TVSPFSKTPL[His127Asn]PSAAGGPGGP

ClinVar aggregate classification (germline): Uncertain significance (1 of 4 stars; one submission).

Conditions:
Monocytopenia with susceptibility to infections. Also called: COMBINED IMMUNODEFICIENCY WITH SUSCEPTIBILITY TO MYCOBACTERIAL, VIRAL, AND FUNGAL INFECTIONS; MONOCYTOPENIA AND MYCOBACTERIAL INFECTION SYNDROME; MONOCYTOPENIA WITH SUSCEPTIBILITY TO MYCOBACTERIAL, FUNGAL, AND PAPILLOMAVIRUS INFECTIONS AND MYELODYSPLASIA; Dendritic cell, monocyte, B lymphocyte, and natural killer lymphocyte deficiency; IMMUNODEFICIENCY 21; GATA2 DEFICIENCY. Identifiers: Orphanet 228423, MedGen C3280030, MONDO:0013607, OMIM 614172.
Deafness-lymphedema-leukemia syndrome. Also called: Lymphedema, primary, with myelodysplasia; Emberger syndrome. Identifiers: Orphanet 3226, MedGen C3279664, MONDO:0013540, OMIM 614038.

Submission:

Labcorp Genetics (formerly Invitae), Labcorp
Classification: Uncertain significance for Monocytopenia with susceptibility to infections; Deafness-lymphedema-leukemia syndrome. Last evaluated: 2023-07-25. Review status: criteria provided, single submitter. Criteria: Invitae Variant Classification Sherloc (09022015). Collection method: clinical testing. Allele origin: germline.
Comment: ClinVar contains an entry for this variant (Variation ID: 1377731). Advanced modeling of protein sequence and biophysical properties (such as structural, functional, and spatial information, amino acid conservation, physicochemical variation, residue mobility, and thermodynamic stability) has been performed at Invitae for this missense variant, however the output from this modeling did not meet the statistical confidence thresholds required to predict the impact of this variant on GATA2 protein function. In summary, the available evidence is currently insufficient to determine the role of this variant in disease. Therefore, it has been classified as a Variant of Uncertain Significance. This variant has not been reported in the literature in individuals affected with GATA2-related conditions. This sequence change replaces histidine, which is basic and polar, with asparagine, which is neutral and polar, at codon 127 of the GATA2 protein (p.His127Asn). This variant is not present in population databases (gnomAD no frequency).